The following is an entry in ClinVar:

ClinVar aggregate classification (germline): Uncertain significance (1 of 4 stars; one submission).

Conditions:
Early-infantile DEE. Also called: Early infantile epileptic encephalopathy; Early infantile epileptic encephalopathy with suppression bursts; Ohtahara syndrome. Identifiers: Orphanet 1934, MedGen C0393706, MONDO:0800491.

Submission:

Labcorp Genetics (formerly Invitae), Labcorp
Classification: Uncertain significance for Early-infantile DEE. Last evaluated: 2024-05-15. Review status: criteria provided, single submitter. Criteria: Invitae Variant Classification Sherloc (09022015). Collection method: clinical testing. Allele origin: germline.
Comment: This sequence change falls in intron 20 of the SCN1A gene. It does not directly change the encoded amino acid sequence of the SCN1A protein. However, this sequence change falls within a region encompassing a cryptic exon in the SCN1A gene, in which variants have been shown to alter splicing (PMID: 30526861, 34107977). This variant is not present in population databases (gnomAD no frequency). This variant has not been reported in the literature in individuals affected with SCN1A-related conditions. Algorithms developed to predict the effect of sequence changes on RNA splicing suggest that this variant is not likely to affect RNA splicing. In summary, the available evidence is currently insufficient to determine the role of this variant in disease. Therefore, it has been classified as a Variant of Uncertain Significance.

Literature cited by the submitters: PubMed 30526861; PubMed 34107977.

NM_001165963.4(SCN1A):c.4002+2171C>A

Genes: SCN1A (sodium voltage-gated channel alpha subunit 1; minus strand), LOC102724058 (uncharacterized LOC102724058; plus strand). Cytogenetic location: 2q24.3.
Variant type: single nucleotide variant.
Coding change: c.4002+2171C>A on transcript NM_001165963.4 (MANE Select); 2171 bases into the intron after coding-DNA position 4002, C replaced by A.
Molecular consequence: intron variant.
Genome position (GRCh38, 1-based): chr2:166,007,548, G>T on the plus strand (C>A on the coding strand, the complement: SCN1A is on the minus strand). VCF-style: chr2-166007548-G-T. GRCh37 (hg19) VCF-style: chr2-166864058-G-T.
Other names: c.3969+2171C>A (NM_001353949.2, NM_001353950.2, NM_001353951.2 and 2 more transcripts); c.3918+2171C>A (NM_001353958.2, NM_001353957.2, NM_001165964.3); c.4002+2171C>A (NM_001202435.3, NM_001353948.2); c.3966+2171C>A (NM_001353955.2, NM_001353954.2); c.3915+2171C>A (NM_001353960.2); c.1560+2171C>A (NM_001353961.2).
Identifiers: ClinVar variation 2815576 (VCV002815576.3), dbSNP rs550110750, ClinGen allele CA2739271480.
Genomic context (GRCh38, chr2:166,007,548, plus strand): 5'-TTTACCCTAGATATTCACGACATCAATTCACTCAGTTTAATTTTACAAGTTGAAAAATTT[G>T]GACTGGAAATTTGAAATACAATAAATGTTTAAAAGCTGTCAGCCAGAAATGTGCATAAAA-3'